The following is an entry in ClinVar:

NM_006648.4(WNK2):c.5240G>A (p.Arg1747His)

Gene: WNK2 (WNK lysine deficient protein kinase 2; plus strand). Cytogenetic location: 9q22.31.
Variant type: single nucleotide variant.
Coding change: c.5240G>A on transcript NM_006648.4 (MANE Select); coding-DNA position 5240, G replaced by A.
Protein change: p.Arg1747His; replaces arginine 1747 with histidine.
Molecular consequence: missense variant.
Genome position (GRCh38, 1-based): chr9:93,292,705, G>A. VCF-style: chr9-93292705-G-A. GRCh37 (hg19) VCF-style: chr9-96054987-G-A.
Other names: c.5351G>A, p.Arg1784His (NM_001282394.3); short protein forms R1784H, R1747H.
Identifiers: ClinVar variation 3816470 (VCV003816470.1).

ClinVar aggregate classification (germline): Uncertain significance (1 of 4 stars; one submission).

gnomAD v4.1: 12 of 1,566,704 alleles (0.00077%); highest among the groups gnomAD compares: Non-Finnish European, 0.001%; no homozygotes.

Submission:

Ambry Genetics
Classification: Uncertain significance. Last evaluated: 2024-12-14. Review status: criteria provided, single submitter. Criteria: Ambry Variant Classification Scheme 2023. Collection method: clinical testing. Allele origin: germline.
Comment: The p.R1747H variant (also known as c.5240G>A), located in coding exon 22 of the WNK2 gene, results from a G to A substitution at nucleotide position 5240. The arginine at codon 1747 is replaced by histidine, an amino acid with highly similar properties. This amino acid position is conserved. In addition, the in silico prediction for this alteration is inconclusive. Based on the available evidence, the clinical significance of this variant remains unclear.